The following is an entry in ClinVar:

NM_001365951.3(KIF1B):c.1496A>T (p.Glu499Val)

Gene: KIF1B (kinesin family member 1B; plus strand). Cytogenetic location: 1p36.22.
Variant type: single nucleotide variant.
Coding change: c.1496A>T on transcript NM_001365951.3 (MANE Select); coding-DNA position 1496, A replaced by T.
Protein change: p.Glu499Val; replaces glutamic acid 499 with valine.
Molecular consequence: missense variant.
Genome position (GRCh38, 1-based): chr1:10,291,143, A>T. VCF-style: chr1-10291143-A-T. GRCh37 (hg19) VCF-style: chr1-10351201-A-T.
Other names: c.1496A>T, p.Glu499Val (NM_001365952.1); c.1358A>T, p.Glu453Val (NM_001365953.1, NM_015074.3, NM_183416.4); short protein forms E499V, E453V.
Identifiers: ClinVar variation 1770735 (VCV001770735.5), dbSNP rs1649976270, ClinGen allele CA338313126.

ClinVar aggregate classification (germline): Uncertain significance. Review status: criteria provided, multiple submitters, no conflicts (2 of 4 stars). 2 submissions from 2 submitters: Uncertain significance (2). Last evaluated 2025-03-06.

Conditions:
Charcot-Marie-Tooth disease type 2. Also called: Charcot-Marie-Tooth type 2. Identifiers: Orphanet 64746, MedGen C0270914, MONDO:0018993.

Allele frequency attached by ClinVar (database versions not stated): gnomAD 0.00001; gnomAD exomes 0.00001.
gnomAD v4.1: 9 of 1,612,370 alleles (0.00056%); highest among the groups gnomAD compares: Non-Finnish European, 0.00076%; no homozygotes.

Submissions (2):

Ambry Genetics
Classification: Uncertain significance. Last evaluated: 2025-03-06. Review status: criteria provided, single submitter. Criteria: Ambry Variant Classification Scheme 2023. Collection method: clinical testing. Allele origin: germline.
Comment: The p.E453V variant (also known as c.1358A>T), located in coding exon 13 of the KIF1B gene, results from an A to T substitution at nucleotide position 1358. The glutamic acid at codon 453 is replaced by valine, an amino acid with dissimilar properties. This amino acid position is conserved. In addition, this alteration is predicted to be deleterious by in silico analysis. The evidence for this gene-disease relationship is limited; therefore, the clinical significance of this alteration is unclear.

Labcorp Genetics (formerly Invitae), Labcorp
Classification: Uncertain significance for Charcot-Marie-Tooth disease type 2. Last evaluated: 2024-09-04. Review status: criteria provided, single submitter. Criteria: Invitae Variant Classification Sherloc (09022015). Collection method: clinical testing. Allele origin: germline.
Comment: This sequence change replaces glutamic acid, which is acidic and polar, with valine, which is neutral and non-polar, at codon 453 of the KIF1B protein (p.Glu453Val). This variant is not present in population databases (gnomAD no frequency). This variant has not been reported in the literature in individuals affected with KIF1B-related conditions. ClinVar contains an entry for this variant (Variation ID: 1770735). Invitae Evidence Modeling of protein sequence and biophysical properties (such as structural, functional, and spatial information, amino acid conservation, physicochemical variation, residue mobility, and thermodynamic stability) indicates that this missense variant is expected to disrupt KIF1B protein function with a positive predictive value of 80%. In summary, the available evidence is currently insufficient to determine the role of this variant in disease. Therefore, it has been classified as a Variant of Uncertain Significance.